The following is an entry in ClinVar:

ClinVar aggregate classification (germline): Pathogenic (1 of 4 stars; one submission).

Conditions:
Intellectual developmental disorder, autosomal dominant 64. Also called: MENTAL RETARDATION, AUTOSOMAL DOMINANT 64. Identifiers: MedGen C5543067, MONDO:0030934, OMIM 619188.

Submission:

Victorian Clinical Genetics Services, Murdoch Childrens Research Institute
Classification: Pathogenic for Intellectual developmental disorder, autosomal dominant 64. Last evaluated: 2026-02-22. Review status: criteria provided, single submitter. Criteria: ACMG Guidelines, 2015. Collection method: clinical testing. Allele origin: germline. Affected: yes.
Comment: This variant is classified as Pathogenic. Evidence in support of pathogenic classification: Variant is predicted to result in a truncated protein (premature termination codon is NOT located at least 54 nucleotides upstream of the final exon-exon junction) with at least 1/3 of the protein sequence affected; Variant is absent from gnomAD (v2, v3 and v4); Other protein truncating variant(s) comparable to the one identified in this case have very strong previous evidence for pathogenicity (DECIPHER). Additional information: This variant is heterozygous; This gene is associated with autosomal dominant disease; This variant has no previous evidence of pathogenicity; No published evidence of segregation with disease has been identified for this variant; No published functional evidence has been identified for this variant; Variant is predicted to truncate the annotated zinc finger protein 292, C2H2-type zinc finger domains (DECIPHER); Loss of function is a likely mechanism of disease in this gene and is associated with intellectual developmental disorder 64 (MIM#619188); however, dominant negative has not been excluded (PMID: 31723249); Variants in this gene are known to have variable expressivity (PMID: 31723249).

Literature cited by the submitters: PubMed 31723249.

NM_015021.3(ZNF292):c.4282_4283del (p.Ser1428fs)

Gene: ZNF292 (zinc finger protein 292; plus strand). Cytogenetic location: 6q14.3.
Variant type: Microsatellite.
Coding change: c.4282_4283del on transcript NM_015021.3 (MANE Select); coding-DNA positions 4282 to 4283, 2 bases deleted (TC; older notation c.4282_4283delTC).
Protein change: p.Ser1428fs; shifts the reading frame from serine 1428.
Molecular consequence: frameshift variant.
Genome position (GRCh38, 1-based): chr6:87,257,911-87,257,912, TC deleted; deleting any 2 consecutive bases within chr6:87,257,907-87,257,912 gives the same sequence; the c. name uses the placement nearest the transcript's 3' end. VCF-style (leftmost placement, unchanged base first): chr6-87257906-TTC-T. GRCh37 (hg19) VCF-style: chr6-87967624-TTC-T.
Other names: c.3862_3863del, p.Ser1288fs (NM_001351444.2); short protein forms S1288fs, S1428fs.
Identifiers: ClinVar variation 4879747 (VCV004879747.1).
Genomic context (GRCh38, chr6:87,257,906, plus strand): 5'-CCGAAATTGCTCAAGAACTTCTACAGAGTAATGGACAGCCTTCTCTTCTTGCCAGCATGA[TTC>T]TCTCCACAAATGCAGTAAATTTGCAGCAGCCACAACAATCTACCTTCAATCCAGAAGCAT-3'